The following is an entry in ClinVar:

NM_001127464.1:c.2750G>T

Gene: ZNF469 (zinc finger protein 469; plus strand).
Variant type: single nucleotide variant.
Identifiers: ClinVar variation 4209146 (VCV004209146.1).

ClinVar aggregate classification (germline): Uncertain significance (1 of 4 stars; one submission).

Conditions:
Cardiovascular phenotype. Identifiers: MedGen CN230736.

Submission:

Ambry Genetics
Classification: Uncertain significance for Cardiovascular phenotype. Last evaluated: 2025-06-23. Review status: criteria provided, single submitter. Criteria: Ambry Variant Classification Scheme 2023. Collection method: clinical testing. Allele origin: germline.
Comment: The p.G917V variant (also known as c.2750G>T), located in coding exon 1 of the ZNF469 gene, results from a G to T substitution at nucleotide position 2750. The glycine at codon 917 is replaced by valine, an amino acid with dissimilar properties. This amino acid position is conserved. In addition, this alteration is predicted to be tolerated by in silico analysis. Based on the available evidence, the clinical significance of this variant remains unclear.